The following is an entry in ClinVar:

NM_005559.4(LAMA1):c.4424G>A (p.Arg1475His)

Gene: LAMA1 (laminin subunit alpha 1; minus strand). Cytogenetic location: 18p11.31.
Variant type: single nucleotide variant.
Coding change: c.4424G>A on transcript NM_005559.4 (MANE Select); coding-DNA position 4424, G replaced by A.
Protein change: p.Arg1475His; replaces arginine 1475 with histidine.
Molecular consequence: missense variant.
Genome position (GRCh38, 1-based): chr18:6,999,956, C>T on the plus strand (G>A on the coding strand, the complement: LAMA1 is on the minus strand). VCF-style: chr18-6999956-C-T. GRCh37 (hg19) VCF-style: chr18-6999955-C-T.
Other names: c.4424G>A (NM_005559.3); short protein forms R1475H.
Identifiers: ClinVar variation 1359691 (VCV001359691.9), dbSNP rs199872720, ClinGen allele CA8881920.

ClinVar aggregate classification (germline): Uncertain significance. Review status: criteria provided, multiple submitters, no conflicts (2 of 4 stars). 3 submissions from 3 submitters: Uncertain significance (3). Last evaluated 2025-06-29.

Conditions:
Inborn genetic diseases. Identifiers: MedGen C0950123, MeSH D030342.

Allele frequency attached by ClinVar (database versions not stated): gnomAD 0.00001 and 0.00002; TOPMed 0.00003; gnomAD exomes 0.00004 and 0.00008; ESP Exome Variant Server 0.00008; ExAC 0.00011; 1000 Genomes Project 0.00020; 1000 Genomes Project 30x 0.00031.
gnomAD v4.1: 59 of 1,614,064 alleles (0.0037%); highest among the groups gnomAD compares: Admixed American, 0.022%; no homozygotes.

Submissions (3):

Ambry Genetics
Classification: Uncertain significance for Inborn genetic diseases. Last evaluated: 2025-06-29. Review status: criteria provided, single submitter. Criteria: Ambry Variant Classification Scheme 2023. Collection method: clinical testing. Allele origin: germline.

GeneDx
Classification: Uncertain significance. Last evaluated: 2024-12-19. Review status: criteria provided, single submitter. Criteria: GeneDx Variant Classification Process June 2021. Collection method: clinical testing. Allele origin: germline. Affected: yes.
Comment: In silico analysis supports that this missense variant has a deleterious effect on protein structure/function; Has not been previously published as pathogenic or benign to our knowledge

Labcorp Genetics (formerly Invitae), Labcorp
Classification: Uncertain significance. Last evaluated: 2022-02-18. Review status: criteria provided, single submitter. Criteria: Invitae Variant Classification Sherloc (09022015). Collection method: clinical testing. Allele origin: germline.
Comment: In summary, the available evidence is currently insufficient to determine the role of this variant in disease. Therefore, it has been classified as a Variant of Uncertain Significance. Algorithms developed to predict the effect of missense changes on protein structure and function output the following: SIFT: "Tolerated"; PolyPhen-2: "Benign"; Align-GVGD: "Class C0". The histidine amino acid residue is found in multiple mammalian species, which suggests that this missense change does not adversely affect protein function. This variant has not been reported in the literature in individuals affected with LAMA1-related conditions. This variant is present in population databases (rs199872720, gnomAD 0.04%). This sequence change replaces arginine, which is basic and polar, with histidine, which is basic and polar, at codon 1475 of the LAMA1 protein (p.Arg1475His).